The following is an entry in ClinVar:

NM_001378778.1(MPDZ):c.4736G>T (p.Gly1579Val)

Gene: MPDZ (multiple PDZ domain crumbs cell polarity complex component; minus strand). Cytogenetic location: 9p23.
Variant type: single nucleotide variant.
Coding change: c.4736G>T on transcript NM_001378778.1 (MANE Select); coding-DNA position 4736, G replaced by T.
Protein change: p.Gly1579Val; replaces glycine 1579 with valine.
Molecular consequence: missense variant.
Genome position (GRCh38, 1-based): chr9:13,125,287, C>A on the plus strand (G>T on the coding strand, the complement: MPDZ is on the minus strand). VCF-style: chr9-13125287-C-A. GRCh37 (hg19) VCF-style: chr9-13125286-C-A.
Other names: c.4637G>T, p.Gly1546Val (NM_001261406.2, NM_001261407.2, NM_001375416.1 and 3 more transcripts); c.4736G>T, p.Gly1579Val (NM_001330637.2, NM_003829.5); c.4835G>T, p.Gly1612Val (NM_001375413.1); c.4526G>T, p.Gly1509Val (NM_001375420.1, NM_001375421.1, NM_001375422.1 and 4 more transcripts); c.4328G>T, p.Gly1443Val (NM_001375427.1); short protein forms G1509V, G1579V, G1443V, G1546V, G1612V.
Identifiers: ClinVar variation 1496493 (VCV001496493.8), dbSNP rs1441866699, ClinGen allele CA372946060.

ClinVar aggregate classification (germline): Uncertain significance (1 of 4 stars; one submission).

Allele frequency attached by ClinVar (database versions not stated): gnomAD exomes below 0.00001.
gnomAD v4.1: 3 of 1,613,374 alleles (0.00019%); highest among the groups gnomAD compares: Admixed American, 0.0017%; no homozygotes.

Submission:

Labcorp Genetics (formerly Invitae), Labcorp
Classification: Uncertain significance. Last evaluated: 2022-01-19. Review status: criteria provided, single submitter. Criteria: Invitae Variant Classification Sherloc (09022015). Collection method: clinical testing. Allele origin: germline.
Comment: Algorithms developed to predict the effect of missense changes on protein structure and function (SIFT, PolyPhen-2, Align-GVGD) all suggest that this variant is likely to be disruptive. In summary, the available evidence is currently insufficient to determine the role of this variant in disease. Therefore, it has been classified as a Variant of Uncertain Significance. This variant has not been reported in the literature in individuals affected with MPDZ-related conditions. This variant is present in population databases (no rsID available, gnomAD 0.003%). This sequence change replaces glycine, which is neutral and non-polar, with valine, which is neutral and non-polar, at codon 1579 of the MPDZ protein (p.Gly1579Val).